The following is an entry in ClinVar:

ClinVar aggregate classification (germline): Uncertain significance. Review status: criteria provided, multiple submitters, no conflicts (2 of 4 stars). 2 submissions from 2 submitters: Uncertain significance (2). Last evaluated 2025-01-02.

Conditions:
Kabuki syndrome 2 (KABUK2). Also called: KDM6A-Related Kabuki Syndrome. Identifiers: Orphanet 2322, MedGen C3275495, MONDO:0010465, OMIM 300867.
KDM6A-related disorder. Also called: KDM6A-related condition.

Submissions (2):

PreventionGenetics, part of Exact Sciences
Classification: Uncertain significance for KDM6A-related condition. Last evaluated: 2025-01-02. Review status: criteria provided, single submitter. Criteria: ACMG Guidelines, 2015. Collection method: clinical testing. Allele origin: germline.
Comment: The KDM6A c.3974A>G variant is predicted to result in the amino acid substitution p.Glu1325Gly. To our knowledge, this variant has not been reported in the literature or in a large population database (gnomAD), indicating this variant is rare. At this time, the clinical significance of this variant is uncertain due to the absence of conclusive functional and genetic evidence.

Labcorp Genetics (formerly Invitae), Labcorp
Classification: Uncertain significance for Kabuki syndrome 2. Last evaluated: 2024-09-06. Review status: criteria provided, single submitter. Criteria: Invitae Variant Classification Sherloc (09022015). Collection method: clinical testing. Allele origin: germline.
Comment: This sequence change replaces glutamic acid, which is acidic and polar, with glycine, which is neutral and non-polar, at codon 1325 of the KDM6A protein (p.Glu1325Gly). This variant is not present in population databases (gnomAD no frequency). This variant has not been reported in the literature in individuals affected with KDM6A-related conditions. Invitae Evidence Modeling of protein sequence and biophysical properties (such as structural, functional, and spatial information, amino acid conservation, physicochemical variation, residue mobility, and thermodynamic stability) indicates that this missense variant is not expected to disrupt KDM6A protein function with a negative predictive value of 80%. In summary, the available evidence is currently insufficient to determine the role of this variant in disease. Therefore, it has been classified as a Variant of Uncertain Significance.

NM_001291415.2(KDM6A):c.4130A>G (p.Glu1377Gly)

Gene: KDM6A (lysine demethylase 6A; plus strand). Cytogenetic location: Xp11.3.
Variant type: single nucleotide variant.
Coding change: c.4130A>G on transcript NM_001291415.2 (MANE Select); coding-DNA position 4130, A replaced by G.
Protein change: p.Glu1377Gly; replaces glutamic acid 1377 with glycine.
Molecular consequence: missense variant. On other transcripts: non-coding transcript variant (1).
Genome position (GRCh38, 1-based): chrX:45,107,505, A>G. VCF-style: chrX-45107505-A-G. GRCh37 (hg19) VCF-style: chrX-44966750-A-G.
Other names: c.3974A>G, p.Glu1325Gly (NM_021140.4); c.3995A>G, p.Glu1332Gly (NM_001291416.2); c.3839A>G, p.Glu1280Gly (NM_001291417.2); c.3737A>G, p.Glu1246Gly (NM_001291418.2); c.3086A>G, p.Glu1029Gly (NM_001291421.2); c.3872A>G, p.Glu1291Gly (NM_001410742.1); c.4238A>G, p.Glu1413Gly (NM_001419809.1); c.4136A>G, p.Glu1379Gly (NM_001419810.1); and 6 more; short protein forms E1246G, E1379G, E1361G, E1280G, E1282G, E1325G, E1327G, E1332G.
Identifiers: ClinVar variation 3631533 (VCV003631533.3).